The following is an entry in ClinVar:

NM_003611.3(OFD1):c.1570del (p.Gln524fs)

Gene: OFD1 (OFD1 centriole and centriolar satellite protein; plus strand). Cytogenetic location: Xp22.2.
Variant type: Deletion.
Coding change: c.1570del on transcript NM_003611.3 (MANE Select); coding-DNA position 1570, one base deleted (C; older notation c.1570delC).
Protein change: p.Gln524fs; shifts the reading frame from glutamine 524.
Molecular consequence: frameshift variant.
Genome position (GRCh38, 1-based): chrX:13,758,364, C deleted; the last of 3 consecutive C bases (chrX:13,758,362-13,758,364); deleting any one gives the same sequence. VCF-style (leftmost placement, unchanged base first): chrX-13758361-GC-G. GRCh37 (hg19) VCF-style: chrX-13776480-GC-G.
Other names: c.1450del, p.Gln484fs (NM_001330209.2); c.1150del, p.Gln384fs (NM_001330210.2); short protein forms Q384fs, Q484fs, Q524fs.
Identifiers: ClinVar variation 3236779 (VCV003236779.1), dbSNP rs2518924222.

ClinVar aggregate classification (germline): Likely pathogenic (1 of 4 stars; one submission).

Conditions:
Orofaciodigital syndrome I (OFD1). Also called: Papillon-Leage and Psaume Syndrome; OFDS I; Oral-Facial-Digital Syndrome Type I. Identifiers: Orphanet 2750, MedGen C1510460, MONDO:0010702, OMIM 311200.

Submission:

MVZ Medizinische Genetik Mainz
Classification: Likely pathogenic for Orofaciodigital syndrome I. Last evaluated: 2022-12-09. Review status: criteria provided, single submitter. Criteria: UK Practice Guidelines For Variant Classification V4 01 2020. Collection method: clinical testing. Allele origin: germline. Inheritance: X-linked dominant inheritance. Affected: yes. Observed: 1 variant allele.
Comment: ACMG Criteria: PVS1, PM2_SUP